The following is an entry in ClinVar:

ClinVar aggregate classification (germline): Benign (1 of 4 stars; one submission).

Submission:

GeneDx
Classification: Benign. Last evaluated: 2018-02-01. Review status: criteria provided, single submitter. Criteria: GeneDx Variant Classification (06012015). Collection method: clinical testing. Allele origin: germline. Affected: yes.
Comment: This variant is considered likely benign or benign based on one or more of the following criteria: it is a conservative change, it occurs at a poorly conserved position in the protein, it is predicted to be benign by multiple in silico algorithms, and/or has population frequency not consistent with disease.

NM_020408.6(LYRM4):c.-10dup

Genes: FARS2 (phenylalanyl-tRNA synthetase 2, mitochondrial; plus strand), LYRM4 (LYR motif containing 4; minus strand), LOC129995672 (ATAC-STARR-seq lymphoblastoid silent region 16873; plus strand). Cytogenetic location: 6p25.1.
Variant type: Duplication.
Coding change: c.-10dup on transcript NM_020408.6 (MANE Select); 10 bases upstream of the start codon, one base duplicated (T; older notation c.-10dupT).
Molecular consequence: 5 prime UTR variant. On other transcripts: non-coding transcript variant (3).
Genome position (GRCh38, 1-based): chr6:5,260,743, A duplicated on the plus strand (T on the coding strand, the reverse complement: LYRM4 is on the minus strand); the first of 9 consecutive A bases (chr6:5,260,743-5,260,751); duplicating any one gives the same sequence. VCF-style (leftmost placement, unchanged base first): chr6-5260742-G-GA. GRCh37 (hg19) VCF-style: chr6-5260975-G-GA.
Other names: c.-10dup (NM_001164840.3, NM_001164841.3, NM_001318782.1 and 1 more transcripts); c.-10dupT (NM_020408.5).
Identifiers: ClinVar variation 516404 (VCV000516404.1), dbSNP rs561083109, ClinGen allele CA3623558.